The following is an entry in ClinVar:

NM_001113491.2(SEPTIN9):c.1028A>T (p.Lys343Met)

Gene: SEPTIN9 (septin 9; plus strand). Cytogenetic location: 17q25.3.
Variant type: single nucleotide variant.
Coding change: c.1028A>T on transcript NM_001113491.2 (MANE Select); coding-DNA position 1028, A replaced by T.
Protein change: p.Lys343Met; replaces lysine 343 with methionine.
Molecular consequence: missense variant.
Genome position (GRCh38, 1-based): chr17:77,487,538, A>T. VCF-style: chr17-77487538-A-T. GRCh37 (hg19) VCF-style: chr17-75483620-A-T.
Other names: c.536A>T, p.Lys179Met (NM_001113492.2, NM_001113494.1); c.1007A>T, p.Lys336Met (NM_001113493.2); c.275A>T, p.Lys92Met (NM_001113495.2, NM_001113496.2, NM_001293697.2 and 1 more transcripts); c.971A>T, p.Lys324Met (NM_001293695.2); c.356A>T, p.Lys119Met (NM_001293696.2); c.974A>T, p.Lys325Met (NM_006640.5); short protein forms K119M, K179M, K324M, K325M, K336M, K343M, K92M.
Identifiers: ClinVar variation 1682635 (VCV001682635.7), dbSNP rs1039716027, ClinGen allele CA294294968.
Genomic context (GRCh38, chr17:77,487,538, plus strand): 5'-TCAGCCGGAAGTCGGTGCAGCCCACCTCAGAGGAGCGCATCCCCAAGACCATCGAGATCA[A>T]GTCCATCACGCACGGTCAGTGGCCGGGAGTGGGCTGGGGGTGCAGGACGCCCCTGCCTTC-3'
Protein context (NP_001106963.1, residues 333-353): EERIPKTIEI[Lys343Met]SITHDIEEKG

ClinVar aggregate classification (germline): Uncertain significance (1 of 4 stars; one submission).

Allele frequency attached by ClinVar (database versions not stated): gnomAD exomes below 0.00001 and 0.00002; TOPMed below 0.00001; gnomAD 0.00001.
gnomAD v4.1: 34 of 1,613,340 alleles (0.0021%); highest among the groups gnomAD compares: Non-Finnish European, 0.0029%; no homozygotes.

Submission:

Labcorp Genetics (formerly Invitae), Labcorp
Classification: Uncertain significance. Last evaluated: 2024-03-22. Review status: criteria provided, single submitter. Criteria: Invitae Variant Classification Sherloc (09022015). Collection method: clinical testing. Allele origin: germline.
Comment: This sequence change replaces lysine, which is basic and polar, with methionine, which is neutral and non-polar, at codon 325 of the SEPT9 protein (p.Lys325Met). This variant is present in population databases (no rsID available, gnomAD 0.002%). This variant has not been reported in the literature in individuals affected with SEPT9-related conditions. ClinVar contains an entry for this variant (Variation ID: 1682635). Advanced modeling of protein sequence and biophysical properties (such as structural, functional, and spatial information, amino acid conservation, physicochemical variation, residue mobility, and thermodynamic stability) performed at Invitae indicates that this missense variant is expected to disrupt SEPT9 protein function with a positive predictive value of 80%. In summary, the available evidence is currently insufficient to determine the role of this variant in disease. Therefore, it has been classified as a Variant of Uncertain Significance.